The following is an entry in ClinVar:

NM_003737.4(DCHS1):c.2690C>T (p.Pro897Leu)

Gene: DCHS1 (dachsous cadherin-related 1; minus strand). Cytogenetic location: 11p15.4.
Variant type: single nucleotide variant.
Coding change: c.2690C>T on transcript NM_003737.4 (MANE Select); coding-DNA position 2690, C replaced by T.
Protein change: p.Pro897Leu; replaces proline 897 with leucine.
Molecular consequence: missense variant.
Genome position (GRCh38, 1-based): chr11:6,632,822, G>A on the plus strand (C>T on the coding strand, the complement: DCHS1 is on the minus strand). VCF-style: chr11-6632822-G-A. GRCh37 (hg19) VCF-style: chr11-6654053-G-A.
Other names: short protein forms P897L.
Identifiers: ClinVar variation 2114727 (VCV002114727.4), dbSNP rs1433781981, ClinGen allele CA379419819.
Genomic context (GRCh38, chr11:6,632,822, plus strand): 5'-CGCAGTGTATAGATGGGAGTCCCTGGGGCAGTGTTTGGTGGTAGCAATACCGTGTCTTCA[G>A]GTGCAGGAAAGGCAGGGGAGTTGTCATTCACATCATCCAGCAGCACACGCACCCGAGCTA-3'
Protein context (NP_003728.1, residues 887-907): VNDNSPAFPA[Pro897Leu]EDTVLLPPNT

ClinVar aggregate classification (germline): Uncertain significance (1 of 4 stars; one submission).

gnomAD v4.1: 2 of 1,614,014 alleles (0.00012%); highest among the groups gnomAD compares: Non-Finnish European, 0.000085%; no homozygotes.

Submission:

Labcorp Genetics (formerly Invitae), Labcorp
Classification: Uncertain significance. Last evaluated: 2022-05-03. Review status: criteria provided, single submitter. Criteria: Invitae Variant Classification Sherloc (09022015). Collection method: clinical testing. Allele origin: germline.
Comment: This sequence change replaces proline, which is neutral and non-polar, with leucine, which is neutral and non-polar, at codon 897 of the DCHS1 protein (p.Pro897Leu). In summary, the available evidence is currently insufficient to determine the role of this variant in disease. Therefore, it has been classified as a Variant of Uncertain Significance. Advanced modeling of protein sequence and biophysical properties (such as structural, functional, and spatial information, amino acid conservation, physicochemical variation, residue mobility, and thermodynamic stability) performed at Invitae indicates that this missense variant is not expected to disrupt DCHS1 protein function. This variant has not been reported in the literature in individuals affected with DCHS1-related conditions. This variant is present in population databases (no rsID available, gnomAD 0.0009%).